The following is an entry in ClinVar:

NM_005120.3(MED12):c.5983C>T (p.Pro1995Ser)

Gene: MED12 (mediator complex subunit 12; plus strand). Cytogenetic location: Xq13.1.
Variant type: single nucleotide variant.
Coding change: c.5983C>T on transcript NM_005120.3 (MANE Select); coding-DNA position 5983, C replaced by T.
Protein change: p.Pro1995Ser; replaces proline 1995 with serine.
Molecular consequence: missense variant.
Genome position (GRCh38, 1-based): chrX:71,137,882, C>T. VCF-style: chrX-71137882-C-T. GRCh37 (hg19) VCF-style: chrX-70357732-C-T.
Other names: short protein forms P1995S.
Identifiers: ClinVar variation 1306915 (VCV001306915.9), dbSNP rs2092336678, ClinGen allele CA413539494.

ClinVar aggregate classification (germline): Uncertain significance. Review status: criteria provided, multiple submitters, no conflicts (2 of 4 stars). 2 submissions from 2 submitters: Uncertain significance (2). Last evaluated 2024-11-12.

Conditions:
FG syndrome (FGS). Identifiers: MedGen C0220769, MONDO:0002010.

Allele frequency attached by ClinVar (database versions not stated): TOPMed below 0.00001.

Submissions (2):

GeneDx
Classification: Uncertain significance. Last evaluated: 2024-11-12. Review status: criteria provided, single submitter. Criteria: GeneDx Variant Classification Process June 2021. Collection method: clinical testing. Allele origin: germline. Affected: yes.
Comment: Not observed at significant frequency in large population cohorts (gnomAD); In silico analysis supports that this missense variant has a deleterious effect on protein structure/function; Has not been previously published as pathogenic or benign to our knowledge

Labcorp Genetics (formerly Invitae), Labcorp
Classification: Uncertain significance for FG syndrome. Last evaluated: 2023-05-26. Review status: criteria provided, single submitter. Criteria: Invitae Variant Classification Sherloc (09022015). Collection method: clinical testing. Allele origin: germline.
Comment: Advanced modeling of protein sequence and biophysical properties (such as structural, functional, and spatial information, amino acid conservation, physicochemical variation, residue mobility, and thermodynamic stability) performed at Invitae indicates that this missense variant is not expected to disrupt MED12 protein function. ClinVar contains an entry for this variant (Variation ID: 1306915). This variant has not been reported in the literature in individuals affected with MED12-related conditions. This variant is not present in population databases (gnomAD no frequency). This sequence change replaces proline, which is neutral and non-polar, with serine, which is neutral and polar, at codon 1995 of the MED12 protein (p.Pro1995Ser). In summary, the available evidence is currently insufficient to determine the role of this variant in disease. Therefore, it has been classified as a Variant of Uncertain Significance.